The following is an entry in ClinVar:

ClinVar aggregate classification (germline): Pathogenic (1 of 4 stars; one submission).

Conditions:
Periventricular nodular heterotopia 8. Identifiers: MedGen C4748602, MONDO:0032588, OMIM 618185.

Submission:

Groupe Hospitalier Pitie Salpetriere, Uf Genomique Du Developpement, Assistance Publique Hopitaux de Paris Sorbonne Université
Classification: Pathogenic for Periventricular nodular heterotopia 8. Last evaluated: 2022-03-12. Review status: criteria provided, single submitter. Criteria: ACMG Guidelines, 2015. Collection method: clinical testing. Allele origin: de novo. Affected: yes.
Comment: PS2, PS3, PM2, PP2, PP3

NM_001658.4(ARF1):c.153C>A (p.Phe51Leu)

Genes: ARF1 (ARF GTPase 1; plus strand), LOC126806039 (CDK7 strongly-dependent group 2 enhancer GRCh37_chr1:228284937-228286136; plus strand). Cytogenetic location: 1q42.13.
Variant type: single nucleotide variant.
Coding change: c.153C>A on transcript NM_001658.4 (MANE Select); coding-DNA position 153, C replaced by A.
Protein change: p.Phe51Leu; replaces phenylalanine 51 with leucine.
Molecular consequence: missense variant.
Genome position (GRCh38, 1-based): chr1:228,097,346, C>A. VCF-style: chr1-228097346-C-A. GRCh37 (hg19) VCF-style: chr1-228285047-C-A.
Other names: c.153C>A, p.Phe51Leu (NM_001024226.2, NM_001024227.1, NM_001024228.2); short protein forms F51L.
Identifiers: ClinVar variation 1343798 (VCV001343798.1), dbSNP rs2124857427, ClinGen allele CA345077970.